The following is an entry in ClinVar:

NM_006642.5(SDCCAG8):c.1914A>G (p.Leu638=)

Gene: SDCCAG8 (SHH signaling and ciliogenesis regulator SDCCAG8; plus strand). Cytogenetic location: 1q43.
Variant type: single nucleotide variant.
Coding change: c.1914A>G on transcript NM_006642.5 (MANE Select); coding-DNA position 1914, A replaced by G.
Protein change: p.Leu638=; no amino-acid change (leucine 638 retained).
Molecular consequence: synonymous variant.
Genome position (GRCh38, 1-based): chr1:243,426,487, A>G. VCF-style: chr1-243426487-A-G. GRCh37 (hg19) VCF-style: chr1-243589789-A-G.
Other names: c.1914A>G (NM_006642.3); c.1011A>G, p.Leu337= (NM_001350246.2, NM_001350247.2, NM_001350251.2); c.2010A>G, p.Leu670= (NM_001350248.2); c.1620A>G, p.Leu540= (NM_001350249.2).
Identifiers: ClinVar variation 1103297 (VCV001103297.11), dbSNP rs756352013, ClinGen allele CA1483776.

ClinVar aggregate classification (germline): Likely benign. Review status: criteria provided, single submitter (1 of 4 stars). 2 submissions from 2 submitters: Likely benign (1). 1 of the submissions does not count toward it. Last evaluated 2026-01-28.

Conditions:
SDCCAG8-related disorder. Also called: SDCCAG8-Related Disorders; SDCCAG8-related condition.
Senior-Loken syndrome 7 (SLSN7). Identifiers: Orphanet 3156, MedGen C3150877, MONDO:0013326, OMIM 613615.
Bardet-Biedl syndrome 16 (BBS16). Identifiers: Orphanet 110, MedGen C3889474, MONDO:0014444, OMIM 615993.

Allele frequency attached by ClinVar (database versions not stated): ExAC 0.00001; gnomAD 0.00001 and 0.00002; gnomAD exomes 0.00001 and 0.00003; TOPMed 0.00004.
gnomAD v4.1: 24 of 1,613,862 alleles (0.0015%); highest among the groups gnomAD compares: Admixed American, 0.01%; no homozygotes.

Submissions (2):

Labcorp Genetics (formerly Invitae), Labcorp
Classification: Likely benign for Bardet-Biedl syndrome 16; Senior-Loken syndrome 7. Last evaluated: 2026-01-28. Review status: criteria provided, single submitter. Criteria: Invitae Variant Classification Sherloc (09022015). Collection method: clinical testing. Allele origin: germline.

PreventionGenetics, part of Exact Sciences
Classification: Likely benign for SDCCAG8-related condition. Last evaluated: 2021-04-20. Review status: no assertion criteria provided. Collection method: clinical testing. Allele origin: germline. Not counted in ClinVar's aggregate classification.
Comment: This variant is classified as likely benign based on ACMG/AMP sequence variant interpretation guidelines (Richards et al. 2015 PMID: 25741868, with internal and published modifications).